The following is an entry in ClinVar:

ClinVar aggregate classification (germline): Uncertain significance. Review status: criteria provided, multiple submitters, no conflicts (2 of 4 stars). 4 submissions from 4 submitters: Uncertain significance (4). Last evaluated 2022-02-20.

Conditions:
Monogenic diabetes. Identifiers: Orphanet 183625, MedGen C3888631, MONDO:0015967.
Inborn genetic diseases. Identifiers: MedGen C0950123, MeSH D030342.
Permanent neonatal diabetes mellitus-pancreatic and cerebellar agenesis syndrome. Also called: PANCREATIC AND CEREBELLAR AGENESIS. Identifiers: Orphanet 65288, MedGen C1836780, MONDO:0012192, OMIM 609069.

Allele frequency attached by ClinVar (database versions not stated): TOPMed 0.00005; gnomAD 0.00008; gnomAD exomes 0.00012 and 0.00027.

Submissions (4):

Labcorp Genetics (formerly Invitae), Labcorp
Classification: Uncertain significance. Last evaluated: 2022-02-20. Review status: criteria provided, single submitter. Criteria: Invitae Variant Classification Sherloc (09022015). Collection method: clinical testing. Allele origin: germline.
Comment: This sequence change replaces leucine, which is neutral and non-polar, with isoleucine, which is neutral and non-polar, at codon 89 of the PTF1A protein (p.Leu89Ile). This variant is present in population databases (no rsID available, gnomAD 0.06%). This variant has not been reported in the literature in individuals affected with PTF1A-related conditions. ClinVar contains an entry for this variant (Variation ID: 549537). Algorithms developed to predict the effect of missense changes on protein structure and function are either unavailable or do not agree on the potential impact of this missense change (SIFT: "Tolerated"; PolyPhen-2: "Not Available"; Align-GVGD: "Class C0"). In summary, the available evidence is currently insufficient to determine the role of this variant in disease. Therefore, it has been classified as a Variant of Uncertain Significance.

Ambry Genetics
Classification: Uncertain significance for Inborn genetic diseases. Last evaluated: 2021-09-17. Review status: criteria provided, single submitter. Criteria: Ambry Variant Classification Scheme 2023. Collection method: clinical testing. Allele origin: germline.

Personalized Diabetes Medicine Program, University of Maryland School of Medicine
Classification: Uncertain significance for Monogenic diabetes. Last evaluated: 2017-07-27. Review status: criteria provided, single submitter. Criteria: ACMG Guidelines, 2015. Collection method: research. Allele origin: unknown. Observed: 1 variant allele, 1 heterozygote. Study: Personalized Diabetes Medicine Program.
Comment: ACMG Criteria:PP3 (2 predictors), BP4 (8 predictors), PM2 (absent in database)

Illumina Laboratory Services, Illumina
Classification: Uncertain significance for Permanent neonatal diabetes mellitus-pancreatic and cerebellar agenesis syndrome. Last evaluated: 2017-04-27. Review status: criteria provided, single submitter. Criteria: ICSL Variant Classification Criteria 13 December 2019. Collection method: clinical testing. Allele origin: germline.

NM_178161.3(PTF1A):c.265C>A (p.Leu89Ile)

Gene: PTF1A (pancreas associated transcription factor 1a; plus strand). Cytogenetic location: 10p12.2.
Variant type: single nucleotide variant.
Coding change: c.265C>A on transcript NM_178161.3 (MANE Select); coding-DNA position 265, C replaced by A.
Protein change: p.Leu89Ile; replaces leucine 89 with isoleucine.
Molecular consequence: missense variant.
Genome position (GRCh38, 1-based): chr10:23,192,795, C>A. VCF-style: chr10-23192795-C-A. GRCh37 (hg19) VCF-style: chr10-23481724-C-A.
Other names: short protein forms L89I.
Identifiers: ClinVar variation 549537 (VCV000549537.8), dbSNP rs1162744670, ClinGen allele CA376262254.